The following is an entry in ClinVar:

NM_014915.3(ANKRD26):c.1549C>G (p.Gln517Glu)

Gene: ANKRD26 (ankyrin repeat domain 26; minus strand). Cytogenetic location: 10p12.1.
Variant type: single nucleotide variant.
Coding change: c.1549C>G on transcript NM_014915.3 (MANE Select); coding-DNA position 1549, C replaced by G.
Protein change: p.Gln517Glu; replaces glutamine 517 with glutamic acid.
Molecular consequence: missense variant.
Genome position (GRCh38, 1-based): chr10:27,060,360, G>C on the plus strand (C>G on the coding strand, the complement: ANKRD26 is on the minus strand). VCF-style: chr10-27060360-G-C. GRCh37 (hg19) VCF-style: chr10-27349289-G-C.
Other names: c.1549C>G, p.Gln517Glu (NM_001256053.2); short protein forms Q517E.
Identifiers: ClinVar variation 4580455 (VCV004580455.1).
Genomic context (GRCh38, chr10:27,060,360, plus strand): 5'-TTAACGTACTTCCTTCCAAGATTAAATATATATTGCAACATTTACCTGCTTTGGATGTTT[G>C]TACATCCTTCATTCCTCCTGCTTTATTTGGAACAGAATCTTTCATTTCAATGGTAGGCTG-3'
Protein context (NP_055730.2, residues 507-527): PNKAGGMKDV[Gln517Glu]TSKAAEHDLE

ClinVar aggregate classification (germline): Uncertain significance (1 of 4 stars; one submission).

Conditions:
Inborn genetic diseases. Identifiers: MedGen C0950123, MeSH D030342.

Submission:

Ambry Genetics
Classification: Uncertain significance for Inborn genetic diseases. Last evaluated: 2025-12-10. Review status: criteria provided, single submitter. Criteria: Ambry Variant Classification Scheme 2023. Collection method: clinical testing. Allele origin: germline.
Comment: The p.Q517E variant (also known as c.1549C>G), located in coding exon 15 of the ANKRD26 gene, results from a C to G substitution at nucleotide position 1549. The glutamine at codon 517 is replaced by glutamic acid, an amino acid with highly similar properties. This amino acid position is conserved. In addition, this alteration is predicted to be tolerated by in silico analysis. Based on the available evidence, the clinical significance of this variant remains unclear.